The following is an entry in ClinVar:

ClinVar aggregate classification (germline): Uncertain significance (1 of 4 stars; one submission).

Conditions:
Rhabdoid tumor predisposition syndrome 2 (RTPS2). Identifiers: Orphanet 231108, Orphanet 69077, MedGen C2750074, MONDO:0013224, OMIM 613325.

Submission:

Labcorp Genetics (formerly Invitae), Labcorp
Classification: Uncertain significance for Rhabdoid tumor predisposition syndrome 2. Last evaluated: 2022-07-18. Review status: criteria provided, single submitter. Criteria: Invitae Variant Classification Sherloc (09022015). Collection method: clinical testing. Allele origin: germline.
Comment: Algorithms developed to predict the effect of missense changes on protein structure and function (SIFT, PolyPhen-2, Align-GVGD) all suggest that this variant is likely to be disruptive. This variant has not been reported in the literature in individuals affected with SMARCA4-related conditions. This variant is not present in population databases (gnomAD no frequency). This sequence change replaces glycine, which is neutral and non-polar, with arginine, which is basic and polar, at codon 1064 of the SMARCA4 protein (p.Gly1064Arg). In summary, the available evidence is currently insufficient to determine the role of this variant in disease. Therefore, it has been classified as a Variant of Uncertain Significance.

NM_003072.5(SMARCA4):c.3190G>A (p.Gly1064Arg)

Gene: SMARCA4 (SWI/SNF related BAF chromatin remodeling complex subunit ATPase 4; plus strand). Cytogenetic location: 19p13.2.
Variant type: single nucleotide variant.
Coding change: c.3190G>A on transcript NM_003072.5 (MANE Select); coding-DNA position 3190, G replaced by A.
Protein change: p.Gly1064Arg; replaces glycine 1064 with arginine.
Molecular consequence: missense variant. On other transcripts: non-coding transcript variant (1).
Genome position (GRCh38, 1-based): chr19:11,026,321, G>A. VCF-style: chr19-11026321-G-A. GRCh37 (hg19) VCF-style: chr19-11136997-G-A.
Other names: c.3190G>A, p.Gly1064Arg (NM_001387283.1, NM_001411150.1, NM_001128844.3 and 6 more transcripts); short protein forms G1064R.
Identifiers: ClinVar variation 1718231 (VCV001718231.5), dbSNP rs2146516012, ClinGen allele CA404060109.
Genomic context (GRCh38, chr19:11,026,321, plus strand): 5'-CTCCTGCCTGTCACTGACCCCTCTCTCCTTGCCTTGCAGGAGTCCTTTTCCGAGCACTTG[G>A]GGTTCACTGGCGGCATTGTCCAAGGGTGAGAAGCTTCCCAACTGGATGGGGTGGGCAGGT-3'
Protein context (NP_003063.2, residues 1054-1074): HIEESFSEHL[Gly1064Arg]FTGGIVQGLD